The following is an entry in ClinVar:

NM_000038.6(APC):c.190G>T (p.Gly64Ter)

Gene: APC (APC regulator of Wnt signaling pathway; plus strand). Cytogenetic location: 5q22.2.
Variant type: single nucleotide variant.
Coding change: c.190G>T on transcript NM_000038.6 (MANE Select); coding-DNA position 190, G replaced by T.
Protein change: p.Gly64Ter; replaces glycine 64 with a stop codon.
Molecular consequence: nonsense. On other transcripts: 5 prime UTR variant (1).
Genome position (GRCh38, 1-based): chr5:112,766,380, G>T. VCF-style: chr5-112766380-G-T. GRCh37 (hg19) VCF-style: chr5-112102077-G-T.
Other names: c.190G>T, p.Gly64Ter (NM_001127510.3, NM_001354895.2, NM_001354896.2 and 2 more transcripts); c.220G>T, p.Gly74Ter (NM_001127511.3, NM_001354897.2, NM_001354902.2); c.115G>T, p.Gly39Ter (NM_001354898.2, NM_001354904.2); c.13G>T, p.Gly5Ter (NM_001354900.2, NM_001354901.2, NM_001354905.2); c.-846G>T (NM_001354906.2); short protein forms G64*, G74*, G39*, G5*.
Identifiers: ClinVar variation 82875 (VCV000082875.4), dbSNP rs79323615, ClinGen allele CA006306.

ClinVar aggregate classification (germline): Pathogenic. Review status: criteria provided, single submitter (1 of 4 stars). 3 submissions from 3 submitters: Pathogenic (1). 2 of the submissions do not count toward it. Last evaluated 2025-08-18.

Conditions:
Familial adenomatous polyposis 1 (FAP1). Also called: POLYPOSIS, ADENOMATOUS INTESTINAL; FAMILIAL ADENOMATOUS POLYPOSIS 1, ATTENUATED. Identifiers: MedGen C2713442, MONDO:0021056, OMIM 175100. Disease mechanism: loss of function.
Familial colorectal cancer. Identifiers: MedGen CN280943, MONDO:0023113. Disease mechanism: loss of function.

Submissions (3):

Labcorp Genetics (formerly Invitae), Labcorp
Classification: Pathogenic for Familial adenomatous polyposis 1. Last evaluated: 2025-08-18. Review status: criteria provided, single submitter. Criteria: Invitae Variant Classification Sherloc (09022015). Collection method: clinical testing. Allele origin: germline.
Comment: This sequence change creates a premature translational stop signal (p.Gly64*) in the APC gene. It is expected to result in an absent or disrupted protein product. Loss-of-function variants in APC are known to be pathogenic (PMID: 17963004, 20685668). This variant is not present in population databases (gnomAD no frequency). This variant has not been reported in the literature in individuals affected with APC-related conditions. ClinVar contains an entry for this variant (Variation ID: 82875). For these reasons, this variant has been classified as Pathogenic.

Department of Pathology and Laboratory Medicine, Sinai Health System
Classification: Uncertain significance. Review status: no assertion criteria provided. Collection method: clinical testing. Allele origin: unknown. Affected: yes. Observed: 1 variant allele. Study: The Canadian Open Genetics Repository (COGR). Not counted in ClinVar's aggregate classification.

Systems Biology Platform Zhejiang California International NanoSystems Institute
Classification: other for Familial colorectal cancer. Review status: no assertion criteria provided. Collection method: not provided. Allele origin: unknown. Not counted in ClinVar's aggregate classification.
ClinVar note: Converted during submission from cancer to other.

Literature cited by the submitters: PubMed 17963004 (cited by Labcorp Genetics (formerly Invitae), Labcorp); PubMed 20685668 (cited by Labcorp Genetics (formerly Invitae), Labcorp).